The following is an entry in ClinVar:

ClinVar aggregate classification (germline): Likely pathogenic. Review status: criteria provided, multiple submitters, no conflicts (2 of 4 stars). 3 submissions from 3 submitters: Likely pathogenic (3). Last evaluated 2024-03-04.

Conditions:
Neuromuscular disease caused by qualitative or quantitative defects of dystrophin. Also called: Qualitative or quantitative defects of dystrophin. Identifiers: Orphanet 207085, MedGen C5679787, MONDO:0016147.
Becker muscular dystrophy (BMD). Also called: MUSCULAR DYSTROPHY, PSEUDOHYPERTROPHIC PROGRESSIVE, BECKER TYPE; Becker Muscular Dystrophy (BMD). Identifiers: Orphanet 98895, MedGen C0917713, MONDO:0010311, OMIM 300376.
Dilated cardiomyopathy 3B (CMD3B). Also called: CMD3B: DMD-Related Dilated Cardiomyopathy; CARDIOMYOPATHY, DILATED, X-LINKED; DMD-Associated Dilated Cardiomyopathy. Identifiers: Orphanet 154, MedGen C3668940, MONDO:0010542, OMIM 302045.
Duchenne muscular dystrophy (DMD). Also called: MUSCULAR DYSTROPHY, PSEUDOHYPERTROPHIC PROGRESSIVE, DUCHENNE TYPE; Duchenne Muscular Dystrophy (DMD). Identifiers: Orphanet 98896, MedGen C0013264, MONDO:0010679, OMIM 310200.

Submissions (3):

Fulgent Genetics
Classification: Likely pathogenic for Becker muscular dystrophy; Dilated cardiomyopathy 3B; Duchenne muscular dystrophy. Last evaluated: 2024-03-04. Review status: criteria provided, single submitter. Criteria: ACMG Guidelines, 2015. Collection method: clinical testing. Allele origin: germline.

Labcorp Genetics (formerly Invitae), Labcorp
Classification: Likely pathogenic for Duchenne muscular dystrophy. Last evaluated: 2022-10-13. Review status: criteria provided, single submitter. Criteria: Invitae Variant Classification Sherloc (09022015). Collection method: clinical testing. Allele origin: germline.
Comment: This variant is not present in population databases (gnomAD no frequency). In summary, the currently available evidence indicates that the variant is pathogenic, but additional data are needed to prove that conclusively. Therefore, this variant has been classified as Likely Pathogenic. Algorithms developed to predict the effect of sequence changes on RNA splicing suggest that this variant may disrupt the consensus splice site. ClinVar contains an entry for this variant (Variation ID: 1329014). This variant has not been reported in the literature in individuals affected with DMD-related conditions. This sequence change affects an acceptor splice site in intron 34 of the DMD gene. It is expected to disrupt RNA splicing. Variants that disrupt the donor or acceptor splice site typically lead to a loss of protein function (PMID: 16199547), and loss-of-function variants in DMD are known to be pathogenic (PMID: 16770791, 25007885).

Women's Health and Genetics/Laboratory Corporation of America, LabCorp
Classification: Likely pathogenic for Neuromuscular disease caused by qualitative or quantitative defects of dystrophin. Last evaluated: 2021-11-17. Review status: criteria provided, single submitter. Criteria: LabCorp Variant Classification Summary - May 2015. Collection method: clinical testing. Allele origin: germline.
Comment: Variant summary: DMD c.4846-1G>C is located in a canonical splice-site and is predicted to affect mRNA splicing resulting in a significantly altered protein due to either exon skipping, shortening, or inclusion of intronic material. Several computational tools predict a significant impact on normal splicing: Four predict the variant abolishes the canonical 3' splice acceptor site. However, these predictions have yet to be confirmed by functional studies. The variant was absent in 182659 control chromosomes (gnomAD). To our knowledge, no occurrence of c.4846-1G>C in individuals affected with Dystrophinopathies and no experimental evidence demonstrating its impact on protein function have been reported. No clinical diagnostic laboratories have submitted clinical-significance assessments for this variant to ClinVar after 2014. Based on the evidence outlined above, the variant was classified as likely pathogenic.

Literature cited by the submitters: PubMed 16199547 (cited by Labcorp Genetics (formerly Invitae), Labcorp); PubMed 16770791 (cited by Labcorp Genetics (formerly Invitae), Labcorp); PubMed 25007885 (cited by Labcorp Genetics (formerly Invitae), Labcorp).

NM_004006.3(DMD):c.4846-1G>C

Gene: DMD (dystrophin; minus strand). Cytogenetic location: Xp21.1.
Variant type: single nucleotide variant.
Coding change: c.4846-1G>C on transcript NM_004006.3 (MANE Select); the canonical splice acceptor site of the intron before coding-DNA position 4846, G replaced by C.
Molecular consequence: splice acceptor variant.
Genome position (GRCh38, 1-based): chrX:32,365,200, C>G on the plus strand (G>C on the coding strand, the complement: DMD is on the minus strand). VCF-style: chrX-32365200-C-G. GRCh37 (hg19) VCF-style: chrX-32383317-C-G.
Other names: c.4822-1G>C (NM_000109.4); c.823-1G>C (NM_004011.4); c.814-1G>C (NM_004012.4); c.4834-1G>C (NM_004009.3); c.4477-1G>C (NM_004010.3).
Identifiers: ClinVar variation 1329014 (VCV001329014.8), dbSNP rs1603631757, ClinGen allele CA412672668.